The following is an entry in ClinVar:

ClinVar aggregate classification (germline): Likely benign. Review status: criteria provided, multiple submitters, no conflicts (2 of 4 stars). 2 submissions from 2 submitters: Likely benign (2). Last evaluated 2026-09-18.

Conditions:
OFD1-related disorder. Also called: OFD1-related condition.
Orofaciodigital syndrome I (OFD1). Also called: Oral-Facial-Digital Syndrome Type I; Papillon-Leage and Psaume Syndrome; OFDS I. Identifiers: Orphanet 2750, MedGen C1510460, MONDO:0010702, OMIM 311200.
Joubert syndrome. Also called: Familial aplasia of the vermis; JOUBERT-BOLTSHAUSER SYNDROME. Identifiers: Orphanet 475, MedGen C5979921, MONDO:0018772.

Submissions (2):

PreventionGenetics, part of Exact Sciences
Classification: Likely benign for OFD1-related condition. Last evaluated: 2026-09-18. Review status: criteria provided, single submitter. Criteria: ACMG Guidelines, 2015. Collection method: clinical testing. Allele origin: germline.
Comment: This variant is classified as likely benign based on ACMG/AMP sequence variant interpretation guidelines (Richards et al. 2015 PMID: 25741868, with internal and published modifications).

Labcorp Genetics (formerly Invitae), Labcorp
Classification: Likely benign for Orofaciodigital syndrome I; Joubert syndrome. Last evaluated: 2025-12-20. Review status: criteria provided, single submitter. Criteria: Invitae Variant Classification Sherloc (09022015). Collection method: clinical testing. Allele origin: germline.

NM_003611.3(OFD1):c.1221+7_1221+8del

Gene: OFD1 (OFD1 centriole and centriolar satellite protein; plus strand). Cytogenetic location: Xp22.2.
Variant type: Deletion.
Coding change: c.1221+7_1221+8del on transcript NM_003611.3 (MANE Select); bases 7 to 8 of the intron after coding-DNA position 1221, 2 bases deleted (GT; older notation c.1221+7_1221+8delGT).
Molecular consequence: intron variant.
Genome position (GRCh38, 1-based): chrX:13,755,249-13,755,250, GT deleted; deleting any 2 consecutive bases within chrX:13,755,248-13,755,250 gives the same sequence; the c. name uses the placement nearest the transcript's 3' end. VCF-style (leftmost placement, unchanged base first): chrX-13755247-TTG-T. GRCh37 (hg19) VCF-style: chrX-13773366-TTG-T.
Other names: c.1221+7_1221+8delGT (NM_003611.2); c.801+7_801+8del (NM_001330210.2); c.1101+7_1101+8del (NM_001330209.2).
Identifiers: ClinVar variation 1113069 (VCV001113069.10), dbSNP rs2147016859, ClinGen allele CA2499226396.
Genomic context (GRCh38, chrX:13,755,247, plus strand): 5'-TTAATTCAAAAAAGGAGGAACTCAATCAATCTGTAAATCGTGTGAAAGAACTTGAGGTAA[TTG>T]TTAAGCATGTTGGTTTTTGAAATAGATTTTAAGCAATATATGAAATTTTAGTCATACATA-3'